The following is an entry in ClinVar:

NM_001999.4(FBN2):c.6277G>A (p.Gly2093Arg)

Gene: FBN2 (fibrillin 2; minus strand). Cytogenetic location: 5q23.3.
Variant type: single nucleotide variant.
Coding change: c.6277G>A on transcript NM_001999.4 (MANE Select); coding-DNA position 6277, G replaced by A.
Protein change: p.Gly2093Arg; replaces glycine 2093 with arginine.
Molecular consequence: missense variant.
Genome position (GRCh38, 1-based): chr5:128,291,544, C>T on the plus strand (G>A on the coding strand, the complement: FBN2 is on the minus strand). VCF-style: chr5-128291544-C-T. GRCh37 (hg19) VCF-style: chr5-127627236-C-T.
Other names: short protein forms G2093R.
Identifiers: ClinVar variation 1923764 (VCV001923764.5), dbSNP rs2479684266, ClinGen allele CA360764285.

ClinVar aggregate classification (germline): Uncertain significance (1 of 4 stars; one submission).

Conditions:
Congenital contractural arachnodactyly (CCA). Also called: Arthrogryposis, distal, type 9; BEALS SYNDROME; Beals-Hecht syndrome. Identifiers: Orphanet 115, MedGen C0220668, MONDO:0007363, OMIM 121050.

Submission:

Labcorp Genetics (formerly Invitae), Labcorp
Classification: Uncertain significance for Congenital contractural arachnodactyly. Last evaluated: 2024-05-12. Review status: criteria provided, single submitter. Criteria: Invitae Variant Classification Sherloc (09022015). Collection method: clinical testing. Allele origin: germline.
Comment: This sequence change replaces glycine, which is neutral and non-polar, with arginine, which is basic and polar, at codon 2093 of the FBN2 protein (p.Gly2093Arg). This variant is not present in population databases (gnomAD no frequency). This variant has not been reported in the literature in individuals affected with FBN2-related conditions. ClinVar contains an entry for this variant (Variation ID: 1923764). Advanced modeling of protein sequence and biophysical properties (such as structural, functional, and spatial information, amino acid conservation, physicochemical variation, residue mobility, and thermodynamic stability) performed at Invitae indicates that this missense variant is not expected to disrupt FBN2 protein function with a negative predictive value of 80%. In summary, the available evidence is currently insufficient to determine the role of this variant in disease. Therefore, it has been classified as a Variant of Uncertain Significance.